The following is an entry in ClinVar:

ClinVar aggregate classification (germline): Benign/Likely benign. Review status: criteria provided, multiple submitters, no conflicts (2 of 4 stars). 10 submissions from 9 submitters: Benign (8); Likely benign (1). 1 of the submissions does not count toward it. Last evaluated 2026-01-26.

Conditions:
Retinitis pigmentosa 39 (RP39). Identifiers: Orphanet 791, MedGen C3151138, MONDO:0013436, OMIM 613809.
Usher syndrome type 2A. Also called: RETINAL DISEASE IN USHER SYNDROME TYPE IIA, MODIFIER OF; USHER SYNDROME, TYPE IIA. Identifiers: Orphanet 231178, Orphanet 886, MedGen C1848634, MONDO:0010169, OMIM 276901.

Allele frequency attached by ClinVar (database versions not stated): gnomAD exomes 0.00066; ExAC 0.00081; gnomAD 0.00242 and 0.00260; TOPMed 0.00260; ESP Exome Variant Server 0.00292; 1000 Genomes Project 0.00300; 1000 Genomes Project 30x 0.00375.
gnomAD v4.1: 711 of 1,613,896 alleles (0.044%); highest among the groups gnomAD compares: African/African-American, 0.85%; 3 homozygotes.

Submissions (10):

Labcorp Genetics (formerly Invitae), Labcorp
Classification: Benign. Last evaluated: 2026-01-26. Review status: criteria provided, single submitter. Criteria: Invitae Variant Classification Sherloc (09022015). Collection method: clinical testing. Allele origin: germline.

Mayo Clinic Laboratories, Mayo Clinic
Classification: Benign. Last evaluated: 2024-10-23. Review status: criteria provided, single submitter. Criteria: ACMG Guidelines, 2015. Collection method: clinical testing. Allele origin: germline. Observed: 1 variant allele.
Comment: BA1

Blueprint Genetics
Classification: Likely benign. Last evaluated: 2024-10-18. Review status: criteria provided, single submitter. Criteria: ACMG Guidelines, 2015. Collection method: clinical testing. Allele origin: germline.

Genome-Nilou Lab
Classification: Benign for Retinitis pigmentosa 39. Last evaluated: 2023-11-04. Review status: criteria provided, single submitter. Criteria: ACMG Guidelines, 2015. Collection method: clinical testing. Allele origin: germline. Affected: no.

Genome-Nilou Lab
Classification: Benign for Usher syndrome type 2A. Last evaluated: 2023-11-04. Review status: criteria provided, single submitter. Criteria: ACMG Guidelines, 2015. Collection method: clinical testing. Allele origin: germline. Affected: no.

GeneDx
Classification: Benign. Last evaluated: 2018-04-28. Review status: criteria provided, single submitter. Criteria: GeneDx Variant Classification (06012015). Collection method: clinical testing. Allele origin: germline. Affected: yes.
Comment: This variant is considered likely benign or benign based on one or more of the following criteria: it is a conservative change, it occurs at a poorly conserved position in the protein, it is predicted to be benign by multiple in silico algorithms, and/or has population frequency not consistent with disease.

Eurofins Ntd Llc (ga)
Classification: Benign. Last evaluated: 2017-02-27. Review status: criteria provided, single submitter. Criteria: EGL Classification Definitions 2015. Collection method: clinical testing. Allele origin: germline. Observed: 1 variant allele, 1 heterozygote.

Laboratory for Molecular Medicine, Mass General Brigham Personalized Medicine
Classification: Benign. Last evaluated: 2012-04-30. Review status: criteria provided, single submitter. Criteria: LMM Criteria. Collection method: clinical testing. Allele origin: germline. Observed: 1 variant allele.
Comment: Lys2079Thr in Exon 32 of USH2A: This variant is not expected to have clinical si gnificance because it has been identified in 0.8% (31/3738) of African American chromosomes from a broad population by the NHLBI Exome Sequencing Project (dbSNP rs147039836).

Breakthrough Genomics
Classification: Benign. Review status: criteria provided, single submitter. Criteria: ACMG Guidelines, 2015. Collection method: not provided. Allele origin: germline. Inheritance: Autosomal recessive inheritance. Affected: yes.

Natera, Inc.
Classification: Benign for Usher syndrome type 2A. Last evaluated: 2020-09-15. Review status: no assertion criteria provided. Collection method: clinical testing. Allele origin: germline. Not counted in ClinVar's aggregate classification.

NM_206933.4(USH2A):c.6236A>C (p.Lys2079Thr)

Gene: USH2A (usherin; minus strand). Cytogenetic location: 1q41.
Variant type: single nucleotide variant.
Coding change: c.6236A>C on transcript NM_206933.4 (MANE Select); coding-DNA position 6236, A replaced by C.
Protein change: p.Lys2079Thr; replaces lysine 2079 with threonine.
Molecular consequence: missense variant.
Genome position (GRCh38, 1-based): chr1:216,046,520, T>G on the plus strand (A>C on the coding strand, the complement: USH2A is on the minus strand). VCF-style: chr1-216046520-T-G. GRCh37 (hg19) VCF-style: chr1-216219862-T-G.
Other names: c.6236A>C (NM_206933.3); short protein forms K2079T.
Identifiers: ClinVar variation 227145 (VCV000227145.23), dbSNP rs147039836, ClinGen allele CA1395190.
Genomic context (GRCh38, chr1:216,046,520, plus strand): 5'-GAATAGATCAGCCTCCCATCCATGTATAAACAGTACTGAGTTATAATACCATTTGCCTTT[T>G]TGGGTGGGTTCCAGGAGAGCAGCAAAGAACTGGGAAGGGATTTGGCTACTGGTGGCTGAA-3'
Protein context (NP_996816.3, residues 2069-2089): SSLLLSWNPP[Lys2079Thr]KANGIITQYC